The following is an entry in ClinVar:

ClinVar aggregate classification (germline): Uncertain significance (1 of 4 stars; one submission).

Conditions:
Hereditary cancer-predisposing syndrome. Also called: Hereditary Cancer Syndrome; Hereditary neoplastic syndrome; Neoplastic Syndromes, Hereditary; Tumor predisposition. Identifiers: Orphanet 140162, MedGen C0027672, MeSH D009386, MONDO:0015356.

Submission:

Ambry Genetics
Classification: Uncertain significance for Hereditary cancer-predisposing syndrome. Last evaluated: 2025-03-15. Review status: criteria provided, single submitter. Criteria: Ambry Variant Classification Scheme 2023. Collection method: clinical testing. Allele origin: germline.
Comment: The p.Y150H variant (also known as c.448T>C) is located in coding exon 5 of the NF2 gene. The tyrosine at codon 150 is replaced by histidine, an amino acid with similar properties. This change occurs in the first base pair of coding exon 5. This amino acid position is conserved. In addition, this alteration is predicted to be deleterious by in silico analysis. Based on the available evidence, the clinical significance of this variant remains unclear.

NM_000268.4(NF2):c.448T>C (p.Tyr150His)

Gene: NF2 (NF2, moesin-ezrin-radixin like (MERLIN) tumor suppressor; plus strand). Cytogenetic location: 22q12.2.
Variant type: single nucleotide variant.
Coding change: c.448T>C on transcript NM_000268.4 (MANE Select); coding-DNA position 448, T replaced by C.
Protein change: p.Tyr150His; replaces tyrosine 150 with histidine.
Molecular consequence: missense variant. On other transcripts: 5 prime UTR variant (1), intron variant (1).
Genome position (GRCh38, 1-based): chr22:29,654,657, T>C. VCF-style: chr22-29654657-T-C. GRCh37 (hg19) VCF-style: chr22-30050646-T-C.
Other names: c.334T>C, p.Tyr112His (NM_001407053.1, NM_001407056.1); c.325T>C, p.Tyr109His (NM_001407054.1, NM_001407058.1, NM_001407062.1 and 1 more transcripts); c.322T>C, p.Tyr108His (NM_001407055.1, NM_181828.3); c.448T>C, p.Tyr150His (NM_001407057.1, NM_001407059.1, NM_001407060.1 and 4 more transcripts); c.199T>C, p.Tyr67His (NM_001407063.1, NM_001407064.1, NM_181830.3 and 1 more transcripts); c.-193T>C (NM_001407065.1); c.217T>C, p.Tyr73His (NM_001407067.1); c.447+12372T>C (NM_181833.3); short protein forms Y109H, Y112H, Y73H, Y108H, Y150H, Y67H.
Identifiers: ClinVar variation 3919120 (VCV003919120.1).
Genomic context (GRCh38, chr22:29,654,657, plus strand): 5'-TTCAGAAATGGCAGTTATCTTTAGAATCTCAATCGCCTGCTCTCCCTTTCTTCTTTCCAG[T>C]ATGGTGACTACGACCCCAGTGTTCACAAGCGGGGATTTTTGGCCCAAGAGGAATTGCTTC-3'
Protein context (NP_000259.1, residues 140-160): LLASYAVQAK[Tyr150His]GDYDPSVHKR